The following is an entry in ClinVar:

NM_014484.5(MOCS3):c.1168A>G (p.Lys390Glu)

Gene: MOCS3 (molybdenum cofactor synthesis 3; plus strand). Cytogenetic location: 20q13.13.
Variant type: single nucleotide variant.
Coding change: c.1168A>G on transcript NM_014484.5 (MANE Select); coding-DNA position 1168, A replaced by G.
Protein change: p.Lys390Glu; replaces lysine 390 with glutamic acid.
Molecular consequence: missense variant.
Genome position (GRCh38, 1-based): chr20:50,960,010, A>G. VCF-style: chr20-50960010-A-G. GRCh37 (hg19) VCF-style: chr20-49576547-A-G.
Other names: short protein forms K390E.
Identifiers: ClinVar variation 1909071 (VCV001909071.5), dbSNP rs971360128, ClinGen allele CA315265378.
Genomic context (GRCh38, chr20:50,960,010, plus strand): 5'-GCCCTACACATCCCTCTGAAACATTTGGAACGCAGGGATGCGGAGAGCCTGAAACTCTTA[A>G]AAGAAGCAATCTGGGAAGAGAAGCAGGGCACACAAGAAGGGGCTGCTGTCCCCATTTATG-3'
Protein context (NP_055299.1, residues 380-400): RRDAESLKLL[Lys390Glu]EAIWEEKQGT

ClinVar aggregate classification (germline): Uncertain significance (1 of 4 stars; one submission).

Allele frequency attached by ClinVar (database versions not stated): gnomAD exomes below 0.00001.
gnomAD v4.1: 2 of 1,614,262 alleles (0.00012%); highest among the groups gnomAD compares: East Asian, 0.0022%; no homozygotes.

Submission:

Labcorp Genetics (formerly Invitae), Labcorp
Classification: Uncertain significance. Last evaluated: 2022-08-27. Review status: criteria provided, single submitter. Criteria: Invitae Variant Classification Sherloc (09022015). Collection method: clinical testing. Allele origin: germline.
Comment: In summary, the available evidence is currently insufficient to determine the role of this variant in disease. Therefore, it has been classified as a Variant of Uncertain Significance. Algorithms developed to predict the effect of missense changes on protein structure and function (SIFT, PolyPhen-2, Align-GVGD) all suggest that this variant is likely to be tolerated. This variant has not been reported in the literature in individuals affected with MOCS3-related conditions. This variant is not present in population databases (gnomAD no frequency). This sequence change replaces lysine, which is basic and polar, with glutamic acid, which is acidic and polar, at codon 390 of the MOCS3 protein (p.Lys390Glu).